The following is an entry in ClinVar:

ClinVar aggregate classification (germline): Conflicting classifications of pathogenicity. Review status: criteria provided, conflicting classifications (1 of 4 stars). 16 submissions from 16 submitters: Uncertain significance (10); Likely benign (4). 2 of the submissions do not count toward it. Last evaluated 2026-07-20.

Conditions:
Hereditary cancer. Identifiers: MedGen C1333600.
Ataxia-telangiectasia syndrome (AT). Also called: ATAXIA-TELANGIECTASIA, COMPLEMENTATION GROUP A; ATAXIA-TELANGIECTASIA, FRESNO VARIANT; Ataxia-telangiectasia; Ataxia-telangiectasia, complementation group E; Cerebello-oculocutaneous telangiectasia; Immunodeficiency with ataxia telangiectasia. Identifiers: Orphanet 100, MedGen C0004135, MONDO:0008840, OMIM 208900.
Familial cancer of breast. Also called: Hereditary breast cancer; BREAST CANCER, FAMILIAL; hereditary breast carcinoma. Identifiers: Orphanet 227535, MedGen C0346153, MONDO:0016419, OMIM 114480. Disease mechanism: loss of function.
Hereditary cancer-predisposing syndrome. Also called: Neoplastic Syndromes, Hereditary; Hereditary Cancer Syndrome; Tumor predisposition; Hereditary neoplastic syndrome. Identifiers: Orphanet 140162, MedGen C0027672, MeSH D009386, MONDO:0015356.

Allele frequency attached by ClinVar (database versions not stated): gnomAD exomes 0.00004 and 0.00006; TOPMed 0.00004; ExAC 0.00005; gnomAD 0.00005.
gnomAD v4.1: 88 of 1,613,970 alleles (0.0055%); highest among the groups gnomAD compares: Non-Finnish European, 0.0073%; no homozygotes.

Submissions (16):

Institut für angewandte Humangenetik und Onkogenetik Professor Froster
Classification: Uncertain significance for Familial cancer of breast. Last evaluated: 2026-07-20. Review status: criteria provided, single submitter. Criteria: ACMG Guidelines, 2015. Collection method: clinical testing. Allele origin: germline. Affected: yes. Observed: 1 variant allele.
Comment: This missense variant results in a substitution of isoleucine with leucine at codon 826 of the ATM protein. Computational prediction supports a benign effect (REVEL: 0.08, PolyPhen-2: 0.002, BayesDel_noAF: -0.52) of this variant on protein function. The variant is present at a frequency of 8.5e-5 in the population database (gnomAD v2.1.1). In the literatur this variant has been reported in individuals with breast cancer (PMID: 20305132, PMID: 19404735) and chronic lymphocytic leukemia (PMID: 21993670). No functional studies evaluating the impact of this variant have been reported. Segregation analysis could not be performed. The currently available evidence does not suffice to conclusively determine the role of this variant in disease, therefore, it is classified as a Variant of Uncertain Significance (PM2_SUP, BP4_SUP)

Women's Health and Genetics/Laboratory Corporation of America, LabCorp
Classification: Uncertain significance. Last evaluated: 2025-07-28. Review status: criteria provided, single submitter. Criteria: LabCorp Variant Classification Summary - May 2015. Collection method: clinical testing. Allele origin: germline.
Comment: Variant summary: ATM c.2476A>C (p.Ile826Leu) results in a conservative amino acid change in the encoded protein sequence. Algorithms developed to predict the effect of missense changes on protein structure and function all suggest that this variant is likely to be tolerated. The variant allele was found at a frequency of 4e-05 in 251692 control chromosomes. This frequency is not significantly higher than estimated for a pathogenic variant in ATM causing Ataxia-telangiectasia syndrome (4e-05 vs 0.0035), allowing no conclusion about variant significance. The variant, c.2476A>C, has been reported in the literature in individuals affected with Breast Cancer (Bernstein_2010) and CLL (Guarini_2012, LaPaglia_2009, Tiao_2017). These reports however, do not provide unequivocal conclusions about association of the variant with Ataxia-Telangiectasia. To our knowledge, no experimental evidence demonstrating an impact on protein function has been reported. ClinVar contains an entry for this variant (Variation ID: 142345). Based on the evidence outlined above, the variant was classified as uncertain significance.

Mendelics
Classification: Likely benign for Hereditary cancer. Last evaluated: 2025-02-26. Review status: criteria provided, single submitter. Criteria: ACMG Guidelines, 2015. Collection method: clinical testing. Allele origin: unknown.
Comment: This variant is considered likely benign or benign based on one or more of the following: it is predicted to be benign by multiple in silico algorithms, and/or has population frequency not consistent with disease, and/or has normal protein function, and/or has lack of segregation with disease, and/or has been detected in co-occurrence with known pathogenic variant, and/or has lack of disease association in case-control studies, and/or is located in a region inconsistent with a known cause of pathogenicity.

Labcorp Genetics (formerly Invitae), Labcorp
Classification: Uncertain significance for Ataxia-telangiectasia syndrome. Last evaluated: 2025-01-30. Review status: criteria provided, single submitter. Criteria: Invitae Variant Classification Sherloc (09022015). Collection method: clinical testing. Allele origin: germline.
Comment: This sequence change replaces isoleucine, which is neutral and non-polar, with leucine, which is neutral and non-polar, at codon 826 of the ATM protein (p.Ile826Leu). This variant is present in population databases (rs587782397, gnomAD 0.009%). This missense change has been observed in individual(s) with breast cancer and/or chronic lymphocytic leukemia (PMID: 19404735, 20305132, 21993670, 28652578). ClinVar contains an entry for this variant (Variation ID: 142345). Invitae Evidence Modeling of protein sequence and biophysical properties (such as structural, functional, and spatial information, amino acid conservation, physicochemical variation, residue mobility, and thermodynamic stability) indicates that this missense variant is not expected to disrupt ATM protein function with a negative predictive value of 95%. In summary, the available evidence is currently insufficient to determine the role of this variant in disease. Therefore, it has been classified as a Variant of Uncertain Significance.

St. Jude Molecular Pathology, St. Jude Children's Research Hospital
Classification: Uncertain significance for Ataxia-telangiectasia syndrome. Last evaluated: 2024-12-23. Review status: criteria provided, single submitter. Criteria: St. Jude Assertion Criteria 2020. Collection method: clinical testing. Allele origin: germline.
Comment: The ATM c.2476A>C (p.Ile826Leu) missense change has a maximum subpopulation frequency of 0.009% in gnomAD v2.1.1. The in silico tool REVEL predicts a benign effect on protein function, but to our knowledge this prediction has not been confirmed by functional studies. To our knowledge, this variant has not been reported in individuals with ataxia telangiectasia. In summary, the evidence currently available is insufficient to determine the clinical significance of this variant. It has therefore been classified as of uncertain significance.

Quest Diagnostics Nichols Institute San Juan Capistrano
Classification: Uncertain significance. Last evaluated: 2024-10-23. Review status: criteria provided, single submitter. Criteria: Quest Diagnostics criteria. Collection method: clinical testing. Allele origin: unknown.
Comment: The ATM c.2476A>C (p.Ile826Leu) variant has been reported in the published literature in individuals affected with chronic lymphocytic leukemia (PMIDs: 28652578 (2017), 27479817 (2016), 21993670 (2012)), and breast cancer (PMIDs: 19404735 (2010), 20305132 (2010)). The frequency of this variant in the general population, 0.000085 (11/129092 chromosomes (Genome Aggregation Database)), is uninformative in the assessment of its pathogenicity. Analysis of this variant using bioinformatics tools for the prediction of the effect of amino acid changes on protein structure and function yielded predictions that this variant is benign. Based on the available information, we are unable to determine the clinical significance of this variant.

Ambry Genetics
Classification: Likely benign for Hereditary cancer-predisposing syndrome. Last evaluated: 2024-06-07. Review status: criteria provided, single submitter. Criteria: Ambry Variant Classification Scheme 2023. Collection method: clinical testing. Allele origin: germline.

Myriad Genetics, Inc.
Classification: Likely benign for Familial cancer of breast. Last evaluated: 2024-05-09. Review status: criteria provided, single submitter. Criteria: Myriad Autosomal Dominant, Autosomal Recessive and X-Linked Classification Criteria (2023). Collection method: clinical testing. Allele origin: unknown.
Comment: This variant is considered likely benign. This variant is strongly associated with less severe personal and family histories of cancer, typical for individuals without pathogenic variants in this gene [PMID: 25085752].

Baylor Genetics
Classification: Uncertain significance for Familial cancer of breast. Last evaluated: 2024-03-15. Review status: criteria provided, single submitter. Criteria: ACMG Guidelines, 2015. Collection method: clinical testing. Allele origin: unknown.

GeneDx
Classification: Uncertain significance. Last evaluated: 2023-08-04. Review status: criteria provided, single submitter. Criteria: GeneDx Variant Classification Process June 2021. Collection method: clinical testing. Allele origin: germline. Affected: yes.
Comment: Not observed at significant frequency in large population cohorts (gnomAD); In silico analysis supports that this missense variant does not alter protein structure/function; Observed in individuals with breast cancer, renal cancer, or leukemia, but also in unaffected controls (Paglia et al., 2010; Guarini et al., 2012; Lu et al., 2015; Navrkalova et al., 2016; Decker et al., 2017; Tiao et al., 2017); This variant is associated with the following publications: (PMID: 19404735, 21993670, 27479817, 26689913, 28779002, 28652578, 20305132)

MGZ Medical Genetics Center
Classification: Uncertain significance for Familial cancer of breast. Last evaluated: 2021-12-27. Review status: criteria provided, single submitter. Criteria: ACMG Guidelines, 2015. Collection method: clinical testing. Allele origin: germline. Affected: yes. Observed: 1 variant allele.
Comment: ACMG criteria applied: PS4_MOD, PM2_SUP, BP4

Institute for Clinical Genetics, University Hospital TU Dresden, University Hospital TU Dresden
Classification: Uncertain significance. Last evaluated: 2021-11-03. Review status: criteria provided, single submitter. Criteria: ACMG Guidelines, 2015. Collection method: clinical testing. Allele origin: germline.

Athena Diagnostics
Classification: Uncertain significance. Last evaluated: 2020-12-03. Review status: criteria provided, single submitter. Criteria: Athena Diagnostics criteria. Collection method: clinical testing. Allele origin: unknown.

Color Diagnostics, LLC DBA Color Health
Classification: Likely benign for Hereditary cancer-predisposing syndrome. Last evaluated: 2016-08-06. Review status: criteria provided, single submitter. Criteria: ACMG Guidelines, 2015. Collection method: clinical testing. Allele origin: germline.

Natera, Inc.
Classification: Uncertain significance for Ataxia-telangiectasia. Last evaluated: 2020-09-16. Review status: no assertion criteria provided. Collection method: clinical testing. Allele origin: germline. Not counted in ClinVar's aggregate classification.

Counsyl
Classification: Uncertain significance for Ataxia-telangiectasia syndrome. Last evaluated: 2018-05-16. Review status: no assertion criteria provided. Collection method: clinical testing. Allele origin: unknown. Not counted in ClinVar's aggregate classification.

Literature cited by the submitters: PubMed 20305132 (cited by 5 submitters); PubMed 19404735 (cited by 5 submitters); PubMed 21993670 (cited by 5 submitters); PubMed 28652578 (cited by 4 submitters); PubMed 27479817 (cited by Quest Diagnostics Nichols Institute San Juan Capistrano and Athena Diagnostics); PubMed 28779002 (cited by Quest Diagnostics Nichols Institute San Juan Capistrano and Athena Diagnostics); PubMed 26689913 (cited by Quest Diagnostics Nichols Institute San Juan Capistrano and Athena Diagnostics); PubMed 25085752 (cited by Myriad Genetics, Inc.).

NM_000051.4(ATM):c.2476A>C (p.Ile826Leu)

Gene: ATM (ATM serine/threonine kinase; plus strand). Cytogenetic location: 11q22.3.
Variant type: single nucleotide variant.
Coding change: c.2476A>C on transcript NM_000051.4 (MANE Select); coding-DNA position 2476, A replaced by C.
Protein change: p.Ile826Leu; replaces isoleucine 826 with leucine.
Molecular consequence: missense variant.
Genome position (GRCh38, 1-based): chr11:108,267,180, A>C. VCF-style: chr11-108267180-A-C. GRCh37 (hg19) VCF-style: chr11-108137907-A-C.
Other names: c.2476A>C, p.Ile826Leu (NM_001351834.2); short protein forms I826L.
Identifiers: ClinVar variation 142345 (VCV000142345.42), dbSNP rs587782397, ClinGen allele CA168126.